The following is an entry in ClinVar:

ClinVar aggregate classification (germline): Uncertain significance (1 of 4 stars; one submission).

Submission:

Women's Health and Genetics/Laboratory Corporation of America, LabCorp
Classification: Uncertain significance. Last evaluated: 2024-03-28. Review status: criteria provided, single submitter. Criteria: LabCorp Variant Classification Summary - May 2015. Collection method: clinical testing. Allele origin: germline.
Comment: Variant summary: HS6ST2 c.727G>A (p.Gly243Ser) results in a non-conservative amino acid change in the encoded protein sequence. Five of five in-silico tools predict a damaging effect of the variant on protein function. The variant was absent in 179967 control chromosomes (gnomAD). The available data on variant occurrences in the general population are insufficient to allow any conclusion about variant significance. To our knowledge, no occurrence of c.727G>A in individuals affected with Paganini-Miozzo Syndrome and no experimental evidence demonstrating its impact on protein function have been reported. No submitters have cited clinical-significance assessments for this variant to ClinVar. Based on the evidence outlined above, the variant was classified as uncertain significance.

NM_001394073.1(HS6ST2):c.727G>A (p.Gly243Ser)

Gene: HS6ST2 (heparan sulfate 6-O-sulfotransferase 2; minus strand). Cytogenetic location: Xq26.2.
Variant type: single nucleotide variant.
Coding change: c.727G>A on transcript NM_001394073.1 (MANE Select); coding-DNA position 727, G replaced by A.
Protein change: p.Gly243Ser; replaces glycine 243 with serine.
Molecular consequence: missense variant.
Genome position (GRCh38, 1-based): chrX:132,957,028, C>T on the plus strand (G>A on the coding strand, the complement: HS6ST2 is on the minus strand). VCF-style: chrX-132957028-C-T. GRCh37 (hg19) VCF-style: chrX-132091056-C-T.
Other names: c.727G>A, p.Gly243Ser (NM_001077188.2, NM_001394074.1, NM_147175.4); short protein forms G243S.
Identifiers: ClinVar variation 3233704 (VCV003233704.2), dbSNP rs2524056624, ClinGen allele CA414689072.